The following is an entry in ClinVar:

ClinVar aggregate classification (germline): Uncertain significance (1 of 4 stars; one submission).

gnomAD v4.1: 2 of 1,613,928 alleles (0.00012%); highest among the groups gnomAD compares: Admixed American, 0.0017%; no homozygotes.

Submission:

GeneDx
Classification: Uncertain significance. Last evaluated: 2022-05-02. Review status: criteria provided, single submitter. Criteria: GeneDx Variant Classification Process June 2021. Collection method: clinical testing. Allele origin: germline. Affected: yes.
Comment: Not observed at significant frequency in large population cohorts (gnomAD); In silico analysis supports that this missense variant does not alter protein structure/function; Has not been previously published as pathogenic or benign to our knowledge; Variants in candidate genes are classified as variants of uncertain significance in accordance with ACMG guidelines (Richards et al., 2015)

NM_001382508.1(DROSHA):c.619C>G (p.Leu207Val)

Gene: DROSHA (drosha ribonuclease III; minus strand). Cytogenetic location: 5p13.3.
Variant type: single nucleotide variant.
Coding change: c.619C>G on transcript NM_001382508.1 (MANE Select); coding-DNA position 619, C replaced by G.
Protein change: p.Leu207Val; replaces leucine 207 with valine.
Molecular consequence: missense variant.
Genome position (GRCh38, 1-based): chr5:31,526,314, G>C on the plus strand (C>G on the coding strand, the complement: DROSHA is on the minus strand). VCF-style: chr5-31526314-G-C. GRCh37 (hg19) VCF-style: chr5-31526421-G-C.
Other names: c.619C>G, p.Leu207Val (NM_001100412.2, NM_013235.5); short protein forms L207V.
Identifiers: ClinVar variation 3906504 (VCV003906504.1).